The following is an entry in ClinVar:

NM_032043.3(BRIP1):c.2258A>G (p.Asp753Gly)

Gene: BRIP1 (BRCA1 interacting DNA helicase 1; minus strand). Cytogenetic location: 17q23.2.
Variant type: single nucleotide variant.
Coding change: c.2258A>G on transcript NM_032043.3 (MANE Select); coding-DNA position 2258, A replaced by G.
Protein change: p.Asp753Gly; replaces aspartic acid 753 with glycine.
Molecular consequence: missense variant.
Genome position (GRCh38, 1-based): chr17:61,743,134, T>C on the plus strand (A>G on the coding strand, the complement: BRIP1 is on the minus strand). VCF-style: chr17-61743134-T-C. GRCh37 (hg19) VCF-style: chr17-59820495-T-C.
Other names: short protein forms D753G.
Identifiers: ClinVar variation 184968 (VCV000184968.29), dbSNP rs745578572, ClinGen allele CA190618.
Genomic context (GRCh38, chr17:61,743,134, plus strand): 5'-TCTGAGAAATCCAGACCCTCACTCACTTTACCACGACAAACTGCTACCAGGAGAGCTCCA[T>C]CTTAAACAACAGAAAAAAGCATATCCAAAATTCTCAGAAATTGCTTATTCTTGTCATTTT-3'
Protein context (NP_114432.2, residues 743-763): YDAIKYKGEK[Asp753Gly]GALLVAVCRG

ClinVar aggregate classification (germline): Uncertain significance. Review status: criteria provided, multiple submitters, no conflicts (2 of 4 stars). 12 submissions from 12 submitters: Uncertain significance (10). 2 of the submissions do not count toward it. Last evaluated 2026-06-05.

Conditions:
Ovarian cancer. Also called: OVARIAN CANCER, SOMATIC. Identifiers: Orphanet 213500, MedGen C1140680, MONDO:0008170, OMIM 167000.
Fanconi anemia complementation group J. Also called: BRIP1-Related Fanconi Anemia. Identifiers: Orphanet 84, MedGen C1836860, MONDO:0012187, OMIM 609054.
BRIP1-related disorder. Also called: BRIP1-related condition; BRIP1-related disorders. Identifiers: MedGen CN239206.
Familial cancer of breast. Also called: Hereditary breast cancer; BREAST CANCER, FAMILIAL; hereditary breast carcinoma. Identifiers: Orphanet 227535, MedGen C0346153, MONDO:0016419, OMIM 114480. Disease mechanism: loss of function.
Hereditary cancer-predisposing syndrome. Also called: Neoplastic Syndromes, Hereditary; Tumor predisposition; Hereditary neoplastic syndrome; Hereditary Cancer Syndrome. Identifiers: Orphanet 140162, MedGen C0027672, MeSH D009386, MONDO:0015356.

Allele frequency attached by ClinVar (database versions not stated): gnomAD exomes 0.00001; ExAC 0.00002; TOPMed 0.00003.
gnomAD v4.1: 17 of 1,613,988 alleles (0.0011%); highest among the groups gnomAD compares: East Asian, 0.038%; no homozygotes.

Submissions (12):

PreventionGenetics, part of Exact Sciences
Classification: Uncertain significance for BRIP1-related condition. Last evaluated: 2026-06-05. Review status: criteria provided, single submitter. Criteria: ACMG Guidelines, 2015. Collection method: clinical testing. Allele origin: germline.
Comment: The BRIP1 c.2258A>G variant is predicted to result in the amino acid substitution p.Asp753Gly. This variant has been reported in at least one individual with breast cancer (Table S2, Wang et al. 2019. PubMed ID: 30982232) as well as in affected individuals and controls in cohort studies on prostate and biliary tract cancer (Table S2, Okawa et al. 2023. PubMed ID: 36243179; Table S6, Momozawa et al. 2020. PubMed ID: 31214711). This variant has also been reported in an individual with aplastic anemia; however, a second causative variant was not identified (Hong et al. 2025. PubMed ID: 40218281). This variant is reported in 0.016% of alleles in individuals of East Asian descent in gnomAD and is interpreted as uncertain in ClinVar (Variation ID: 184968). At this time, the clinical significance of this variant is uncertain due to the absence of conclusive functional and genetic evidence.

Labcorp Genetics (formerly Invitae), Labcorp
Classification: Uncertain significance for Familial cancer of breast; Fanconi anemia complementation group J. Last evaluated: 2026-01-31. Review status: criteria provided, single submitter. Criteria: Invitae Variant Classification Sherloc (09022015). Collection method: clinical testing. Allele origin: germline.
Comment: This sequence change replaces aspartic acid, which is acidic and polar, with glycine, which is neutral and non-polar, at codon 753 of the BRIP1 protein (p.Asp753Gly). This variant is present in population databases (rs745578572, gnomAD 0.02%). This missense change has been observed in individual(s) with prostate cancer (PMID: 31214711). ClinVar contains an entry for this variant (Variation ID: 184968). Invitae Evidence Modeling of protein sequence and biophysical properties (such as structural, functional, and spatial information, amino acid conservation, physicochemical variation, residue mobility, and thermodynamic stability) indicates that this missense variant is not expected to disrupt BRIP1 protein function with a negative predictive value of 95%. RNA analysis performed to evaluate the impact of this missense change on mRNA splicing indicates it does not significantly alter splicing (internal data). In summary, the available evidence is currently insufficient to determine the role of this variant in disease. Therefore, it has been classified as a Variant of Uncertain Significance.

Ambry Genetics
Classification: Uncertain significance for Hereditary cancer-predisposing syndrome. Last evaluated: 2025-06-02. Review status: criteria provided, single submitter. Criteria: Ambry Variant Classification Scheme 2023. Collection method: clinical testing. Allele origin: germline.
Comment: The p.D753G variant (also known as c.2258A>G) is located in coding exon 15 of the BRIP1 gene. The aspartic acid at codon 753 is replaced by glycine, an amino acid with similar properties. This change occurs in the first base pair of coding exon 15. This alteration was identified in a cohort of 481 Chinese breast cancer patients with family history of breast/ovarian cancer (Wang J et al. Cancer Med, 2019 May;8:2074-2084). This variant was also identified in a cohort of patients with biliary tract cancer (Yu H et al. Front Oncol, 2022 Aug;12:930611). This amino acid position is highly conserved in available vertebrate species. In addition, the in silico prediction for this alteration is inconclusive. Based on the available evidence, the clinical significance of this variant remains unclear.

Center for Genomic Medicine, Rigshospitalet, Copenhagen University Hospital
Classification: Uncertain significance. Last evaluated: 2025-03-04. Review status: criteria provided, single submitter. Criteria: ACMG Guidelines, 2015. Collection method: clinical testing. Allele origin: germline.

Color Diagnostics, LLC DBA Color Health
Classification: Uncertain significance for Hereditary cancer-predisposing syndrome. Last evaluated: 2024-02-12. Review status: criteria provided, single submitter. Criteria: ACMG Guidelines, 2015. Collection method: clinical testing. Allele origin: germline.
Comment: This missense variant replaces aspartic acid with glycine at codon 753 of the BRIP1 protein. Computational prediction is inconclusive regarding the impact of this variant on protein structure and function. To our knowledge, functional studies have not been reported for this variant. In an international breast cancer case-control meta-analysis, this variant was detected in 3/60466 cases and 2/53461 unaffected controls (PMID: 33471991). In another case-control study, this variant has been reported in individuals affected with prostate cancer and unaffected individuals (PMID: 31214711). This variant has been identified in 3/251200 chromosomes in the general population by the Genome Aggregation Database (gnomAD). The available evidence is insufficient to determine the role of this variant in disease conclusively. Therefore, this variant is classified as a Variant of Uncertain Significance.

Fulgent Genetics
Classification: Uncertain significance for Familial cancer of breast; Fanconi anemia complementation group J. Last evaluated: 2024-02-07. Review status: criteria provided, single submitter. Criteria: ACMG Guidelines, 2015. Collection method: clinical testing. Allele origin: germline.

Myriad Genetics, Inc.
Classification: Uncertain significance for Familial cancer of breast. Last evaluated: 2023-02-28. Review status: criteria provided, single submitter. Criteria: Myriad Autosomal Dominant, Autosomal Recessive and X-Linked Classification Criteria (2023). Collection method: clinical testing. Allele origin: unknown.
Comment: This variant is classified as a variant of uncertain significance as there is insufficient evidence to determine its impact on protein function and/or cancer risk.

Sema4
Classification: Uncertain significance for Hereditary cancer-predisposing syndrome. Last evaluated: 2021-11-08. Review status: criteria provided, single submitter. Criteria: Sema4 Curation Guidelines. Collection method: curation. Allele origin: germline.
Comment: The BRIP1 c.2258A>G (p.D753G) variant has been reported in heterozygosity in at least seven individuals with prostate cancer, at least three individuals with breast cancer, and in several unaffected controls (PMID: 33471991, 31214711). It was observed in 3/18344 chromosomes of the East Asian subpopulation in the large and broad cohorts of the Genome Aggregation Database (PMID: 32461654). The variant has been reported in ClinVar (Variation ID: 184968). Functional studies have not been performed, and in silico predictions of the variant's effect on protein function are inconclusive. The evidence is insufficient to meet ACMG/AMP criteria for classifying the variant as benign or pathogenic. Thus, the clinical significance of this variant is currently uncertain.

Institute of Human Genetics, University of Leipzig Medical Center
Classification: Uncertain significance for Familial cancer of breast. Last evaluated: 2020-10-27. Review status: criteria provided, single submitter. Criteria: ACMG Guidelines, 2015. Collection method: clinical testing. Allele origin: unknown. Affected: yes.

GeneDx
Classification: Uncertain significance. Last evaluated: 2019-11-26. Review status: criteria provided, single submitter. Criteria: GeneDx Variant Classification Process June 2021. Collection method: clinical testing. Allele origin: germline. Affected: yes.
Comment: In silico analysis, which includes protein predictors and evolutionary conservation, supports that this variant does not alter protein structure/function; Has not been previously published as pathogenic or benign to our knowledge

Leiden Open Variation Database
Classification: Uncertain significance. Last evaluated: 2019-08-13. Review status: no assertion criteria provided. Collection method: curation. Allele origin: germline. Affected: yes. Not counted in ClinVar's aggregate classification.
Comment: Curator: Arleen D. Auerbach. Submitter to LOVD: Yukihide Momozawa.

Counsyl
Classification: Uncertain significance for Fanconi anemia complementation group J; Ovarian cancer. Last evaluated: 2017-12-27. Review status: no assertion criteria provided. Collection method: clinical testing. Allele origin: unknown. Not counted in ClinVar's aggregate classification.

Literature cited by the submitters: PubMed 31214711 (cited by 4 submitters); PubMed 30982232 (cited by Ambry Genetics); PubMed 36072793 (cited by Ambry Genetics); PubMed 33471991 (cited by Color Diagnostics, LLC DBA Color Health and Sema4).